The following is an entry in ClinVar:

NM_003072.5(SMARCA4):c.3095C>A (p.Thr1032Asn)

Gene: SMARCA4 (SWI/SNF related BAF chromatin remodeling complex subunit ATPase 4; plus strand). Cytogenetic location: 19p13.2.
Variant type: single nucleotide variant.
Coding change: c.3095C>A on transcript NM_003072.5 (MANE Select); coding-DNA position 3095, C replaced by A.
Protein change: p.Thr1032Asn; replaces threonine 1032 with asparagine.
Molecular consequence: missense variant. On other transcripts: non-coding transcript variant (1).
Genome position (GRCh38, 1-based): chr19:11,025,435, C>A. VCF-style: chr19-11025435-C-A. GRCh37 (hg19) VCF-style: chr19-11136111-C-A.
Other names: c.3095C>A, p.Thr1032Asn (NM_001128847.4, NM_001128848.2, NM_001128849.3 and 6 more transcripts); short protein forms T1032N.
Identifiers: ClinVar variation 2029925 (VCV002029925.4), dbSNP rs2146496372, ClinGen allele CA404059155.

ClinVar aggregate classification (germline): Likely pathogenic (1 of 4 stars; one submission).

Conditions:
Rhabdoid tumor predisposition syndrome 2 (RTPS2). Identifiers: Orphanet 231108, Orphanet 69077, MedGen C2750074, MONDO:0013224, OMIM 613325.

Submission:

Labcorp Genetics (formerly Invitae), Labcorp
Classification: Likely pathogenic for Rhabdoid tumor predisposition syndrome 2. Last evaluated: 2022-10-13. Review status: criteria provided, single submitter. Criteria: Invitae Variant Classification Sherloc (09022015). Collection method: clinical testing. Allele origin: germline.
Comment: This missense change has been observed in individual(s) with clinical features of Coffin-Siris syndrome (Invitae). In at least one individual the variant was observed to be de novo. This variant is not present in population databases (gnomAD no frequency). This sequence change replaces threonine, which is neutral and polar, with asparagine, which is neutral and polar, at codon 1032 of the SMARCA4 protein (p.Thr1032Asn). Advanced modeling of protein sequence and biophysical properties (such as structural, functional, and spatial information, amino acid conservation, physicochemical variation, residue mobility, and thermodynamic stability) has been performed at Invitae for this missense variant, however the output from this modeling did not meet the statistical confidence thresholds required to predict the impact of this variant on SMARCA4 protein function. In summary, the currently available evidence indicates that the variant is pathogenic, but additional data are needed to prove that conclusively. Therefore, this variant has been classified as Likely Pathogenic.